The following is an entry in ClinVar:

ClinVar aggregate classification (germline): Uncertain significance. Review status: criteria provided, multiple submitters, no conflicts (2 of 4 stars). 2 submissions from 2 submitters: Uncertain significance (2). Last evaluated 2025-08-11.

Allele frequency attached by ClinVar (database versions not stated): gnomAD exomes 0.00002 and 0.00004; TOPMed 0.00003; ExAC 0.00004; gnomAD 0.00004 and 0.00007; ESP Exome Variant Server 0.00008; 1000 Genomes Project 30x 0.00016; 1000 Genomes Project 0.00020.
gnomAD v4.1: 45 of 1,614,022 alleles (0.0028%); highest among the groups gnomAD compares: East Asian, 0.02%; no homozygotes.

Submissions (2):

Labcorp Genetics (formerly Invitae), Labcorp
Classification: Uncertain significance. Last evaluated: 2025-08-11. Review status: criteria provided, single submitter. Criteria: Invitae Variant Classification Sherloc (09022015). Collection method: clinical testing. Allele origin: germline.
Comment: This sequence change replaces threonine, which is neutral and polar, with methionine, which is neutral and non-polar, at codon 1127 of the MCM3AP protein (p.Thr1127Met). This variant is present in population databases (rs372658748, gnomAD 0.02%). This variant has not been reported in the literature in individuals affected with MCM3AP-related conditions. ClinVar contains an entry for this variant (Variation ID: 1355634). An algorithm developed to predict the effect of missense changes on protein structure and function outputs the following: PolyPhen-2: "Benign". The methionine amino acid residue is found in multiple mammalian species, which suggests that this missense change does not adversely affect protein function. In summary, the available evidence is currently insufficient to determine the role of this variant in disease. Therefore, it has been classified as a Variant of Uncertain Significance.

CeGaT Center for Human Genetics Tuebingen
Classification: Uncertain significance. Last evaluated: 2025-06-01. Review status: criteria provided, single submitter. Criteria: CeGaT Center For Human Genetics Tuebingen Variant Classification Criteria Version 2. Collection method: clinical testing. Allele origin: germline. Affected: yes. Observed: 1 variant allele.
Comment: MCM3AP: PM2, BP4

NM_003906.5(MCM3AP):c.3380C>T (p.Thr1127Met)

Gene: MCM3AP (minichromosome maintenance complex component 3 associated protein; minus strand). Cytogenetic location: 21q22.3.
Variant type: single nucleotide variant.
Coding change: c.3380C>T on transcript NM_003906.5 (MANE Select); coding-DNA position 3380, C replaced by T.
Protein change: p.Thr1127Met; replaces threonine 1127 with methionine.
Molecular consequence: missense variant.
Genome position (GRCh38, 1-based): chr21:46,261,367, G>A on the plus strand (C>T on the coding strand, the complement: MCM3AP is on the minus strand). VCF-style: chr21-46261367-G-A. GRCh37 (hg19) VCF-style: chr21-47681281-G-A.
Other names: short protein forms T1127M.
Identifiers: ClinVar variation 1355634 (VCV001355634.12), dbSNP rs372658748, ClinGen allele CA10076507.